The following is an entry in ClinVar:

NM_000088.4(COL1A1):c.458del (p.Pro153fs)

Gene: COL1A1 (collagen type I alpha 1 chain; minus strand). Cytogenetic location: 17q21.33.
Variant type: Deletion.
Coding change: c.458del on transcript NM_000088.4 (MANE Select); coding-DNA position 458, one base deleted (C; older notation c.458delC).
Protein change: p.Pro153fs; shifts the reading frame from proline 153.
Molecular consequence: frameshift variant.
Genome position (GRCh38, 1-based): chr17:50,199,239, G deleted on the plus strand (C on the coding strand, the reverse complement: COL1A1 is on the minus strand); the first of 5 consecutive G bases (chr17:50,199,239-50,199,243); deleting any one gives the same sequence. VCF-style (leftmost placement, unchanged base first): chr17-50199238-AG-A. GRCh37 (hg19) VCF-style: chr17-48276599-AG-A.
Other names: c.458delC (NM_000088.3); c.458del (NM_000088.3); short protein forms P153fs.
Identifiers: ClinVar variation 657422 (VCV000657422.8), dbSNP rs1114167407, ClinGen allele CA915950624.

ClinVar aggregate classification (germline): Pathogenic/Likely pathogenic. Review status: criteria provided, multiple submitters, no conflicts (2 of 4 stars). 2 submissions from 2 submitters: Pathogenic (1); Likely pathogenic (1). Last evaluated 2024-03-25.

Conditions:
Osteogenesis imperfecta type I (OI1). Also called: Lobstein disease; Osteogenesis imperfecta type 1; OI, TYPE I; OSTEOGENESIS IMPERFECTA TARDA; OSTEOGENESIS IMPERFECTA WITH BLUE SCLERAE; Lobstein's Disease. Identifiers: Orphanet 216796, Orphanet 666, MedGen C0023931, MONDO:0008146, OMIM 166200. Disease mechanism: loss of function.

Submissions (2):

Revvity Omics, Revvity
Classification: Likely pathogenic. Last evaluated: 2024-03-25. Review status: criteria provided, single submitter. Criteria: ACMG Guidelines, 2015. Collection method: clinical testing. Allele origin: germline.

Labcorp Genetics (formerly Invitae), Labcorp
Classification: Pathogenic for Osteogenesis imperfecta type I. Last evaluated: 2023-11-20. Review status: criteria provided, single submitter. Criteria: Invitae Variant Classification Sherloc (09022015). Collection method: clinical testing. Allele origin: germline.
Comment: This sequence change creates a premature translational stop signal (p.Pro153Leufs*112) in the COL1A1 gene. It is expected to result in an absent or disrupted protein product. Loss-of-function variants in COL1A1 are known to be pathogenic (PMID: 7942841, 9295084, 9443882). This variant is not present in population databases (gnomAD no frequency). This variant has not been reported in the literature in individuals affected with COL1A1-related conditions. ClinVar contains an entry for this variant (Variation ID: 657422). For these reasons, this variant has been classified as Pathogenic.

Literature cited by the submitters: PubMed 7942841 (cited by Labcorp Genetics (formerly Invitae), Labcorp); PubMed 9295084 (cited by Labcorp Genetics (formerly Invitae), Labcorp); PubMed 9443882 (cited by Labcorp Genetics (formerly Invitae), Labcorp).